The following is an entry in ClinVar:

ClinVar aggregate classification (germline): Uncertain significance (1 of 4 stars; one submission).

Conditions:
Tatton-Brown-Rahman overgrowth syndrome. Also called: Tatton-Brown-Rahman syndrome; Tall stature-intellectual disability-facial dysmorphism syndrome. Identifiers: Orphanet 404443, MedGen C4014545, MONDO:0014382, OMIM 615879.

Submission:

Labcorp Genetics (formerly Invitae), Labcorp
Classification: Uncertain significance for Tatton-Brown-Rahman overgrowth syndrome. Last evaluated: 2023-11-19. Review status: criteria provided, single submitter. Criteria: Invitae Variant Classification Sherloc (09022015). Collection method: clinical testing. Allele origin: germline.
Comment: This sequence change replaces glycine, which is neutral and non-polar, with glutamic acid, which is acidic and polar, at codon 593 of the DNMT3A protein (p.Gly593Glu). This variant is not present in population databases (gnomAD no frequency). This variant has not been reported in the literature in individuals affected with DNMT3A-related conditions. Advanced modeling of protein sequence and biophysical properties (such as structural, functional, and spatial information, amino acid conservation, physicochemical variation, residue mobility, and thermodynamic stability) performed at Invitae indicates that this missense variant is expected to disrupt DNMT3A protein function with a positive predictive value of 80%. In summary, the available evidence is currently insufficient to determine the role of this variant in disease. Therefore, it has been classified as a Variant of Uncertain Significance.

NM_022552.5(DNMT3A):c.1778G>A (p.Gly593Glu)

Gene: DNMT3A (DNA methyltransferase 3 alpha; minus strand). Cytogenetic location: 2p23.3.
Variant type: single nucleotide variant.
Coding change: c.1778G>A on transcript NM_022552.5 (MANE Select); coding-DNA position 1778, G replaced by A.
Protein change: p.Gly593Glu; replaces glycine 593 with glutamic acid.
Molecular consequence: missense variant. On other transcripts: non-coding transcript variant (1).
Genome position (GRCh38, 1-based): chr2:25,244,228, C>T on the plus strand (G>A on the coding strand, the complement: DNMT3A is on the minus strand). VCF-style: chr2-25244228-C-T. GRCh37 (hg19) VCF-style: chr2-25467097-C-T.
Other names: c.1211G>A, p.Gly404Glu (NM_153759.3); c.1778G>A, p.Gly593Glu (NM_175629.2); c.1322G>A, p.Gly441Glu (NM_001320893.1); c.1109G>A, p.Gly370Glu (NM_001375819.1); short protein forms G370E, G441E, G404E, G593E.
Identifiers: ClinVar variation 2753624 (VCV002753624.3), dbSNP rs2149289222, ClinGen allele CA346071797.